The following is an entry in ClinVar:

ClinVar aggregate classification (germline): Likely pathogenic (1 of 4 stars; one submission).

Conditions:
Intellectual developmental disorder with autism and macrocephaly. Also called: Autism, susceptibility to, 18; CHD8-Related Neurodevelopmental Disorder with Overgrowth. Identifiers: Orphanet 642675, MedGen C3554373, MONDO:0014017, OMIM 615032.

Submission:

3billion
Classification: Likely pathogenic for Intellectual developmental disorder with autism and macrocephaly. Last evaluated: 2024-06-25. Review status: criteria provided, single submitter. Criteria: ACMG Guidelines, 2015. Collection method: clinical testing. Allele origin: germline. Affected: yes.
Comment: The variant is not observed in the gnomAD v4.0.0 dataset. Predicted Consequence/Location: Stop-gained (nonsense): predicted to result in a loss or disruption of normal protein function through nonsense-mediated decay (NMD) or protein truncation. Multiple pathogenic variants are reported downstream of the variant. Therefore, this variant is classified as Likely pathogenic according to the recommendation of ACMG/AMP guideline.

NM_001170629.2(CHD8):c.841C>T (p.Gln281Ter)

Gene: CHD8 (chromodomain helicase DNA binding protein 8; minus strand). Cytogenetic location: 14q11.2.
Variant type: single nucleotide variant.
Coding change: c.841C>T on transcript NM_001170629.2 (MANE Select); coding-DNA position 841, C replaced by T.
Protein change: p.Gln281Ter; replaces glutamine 281 with a stop codon.
Molecular consequence: nonsense. On other transcripts: intron variant (1).
Genome position (GRCh38, 1-based): chr14:21,430,803, G>A on the plus strand (C>T on the coding strand, the complement: CHD8 is on the minus strand). VCF-style: chr14-21430803-G-A. GRCh37 (hg19) VCF-style: chr14-21898962-G-A.
Other names: c.6+1008C>T (NM_020920.4); short protein forms Q281*.
Identifiers: ClinVar variation 4292955 (VCV004292955.1).